The following is an entry in ClinVar:

ClinVar aggregate classification (germline): Conflicting classifications of pathogenicity. Review status: criteria provided, conflicting classifications (1 of 4 stars). 3 submissions from 3 submitters: Uncertain significance (1); Likely benign (2). Last evaluated 2026-08-11.

Conditions:
Catecholaminergic polymorphic ventricular tachycardia 1. Also called: VENTRICULAR TACHYCARDIA, CATECHOLAMINERGIC POLYMORPHIC, 1, WITH OR WITHOUT ATRIAL DYSFUNCTION AND/OR DILATED CARDIOMYOPATHY; VENTRICULAR TACHYCARDIA, STRESS-INDUCED POLYMORPHIC 1; RYR2-Related Catecholaminergic Polymorphic Ventricular Tachycardia. Identifiers: Orphanet 3286, MedGen C1631597, MONDO:0011484, OMIM 604772.
Cardiovascular phenotype. Identifiers: MedGen CN230736.

Allele frequency attached by ClinVar (database versions not stated): gnomAD exomes 0.00001.
gnomAD v4.1: 14 of 1,528,464 alleles (0.00092%); highest among the groups gnomAD compares: Non-Finnish European, 0.0012%; no homozygotes.

Submissions (3):

Ambry Genetics
Classification: Uncertain significance for Cardiovascular phenotype. Last evaluated: 2026-08-11. Review status: criteria provided, single submitter. Criteria: Ambry Variant Classification Scheme 2023. Collection method: clinical testing. Allele origin: germline.
Comment: The c.1248T>C variant (also known as p.V416V), located in coding exon 19 of the TRDN gene, results from a T to C substitution at nucleotide position 1248. This nucleotide substitution does not change the valine at codon 416. This nucleotide position is well conserved in available vertebrate species. In silico splice site analysis for this alteration is inconclusive. Based on the available evidence, the clinical significance of this variant remains unclear.

Labcorp Genetics (formerly Invitae), Labcorp
Classification: Likely benign for Catecholaminergic polymorphic ventricular tachycardia 1. Last evaluated: 2025-12-14. Review status: criteria provided, single submitter. Criteria: Invitae Variant Classification Sherloc (09022015). Collection method: clinical testing. Allele origin: germline.

Blueprint Genetics
Classification: Likely benign. Last evaluated: 2024-11-26. Review status: criteria provided, single submitter. Criteria: ACMG Guidelines, 2015. Collection method: clinical testing. Allele origin: germline.

NM_006073.4(TRDN):c.1248T>C (p.Val416=)

Gene: TRDN (triadin; minus strand). Cytogenetic location: 6q22.31.
Variant type: single nucleotide variant.
Coding change: c.1248T>C on transcript NM_006073.4 (MANE Select); coding-DNA position 1248, T replaced by C.
Protein change: p.Val416=; no amino-acid change (valine 416 retained).
Molecular consequence: synonymous variant.
Genome position (GRCh38, 1-based): chr6:123,375,630, A>G on the plus strand (T>C on the coding strand, the complement: TRDN is on the minus strand). VCF-style: chr6-123375630-A-G. GRCh37 (hg19) VCF-style: chr6-123696775-A-G.
Other names: c.1251T>C, p.Val417= (NM_001251987.2); c.1191T>C, p.Val397= (NM_001407315.1); c.1248T>C (NM_006073.2).
Identifiers: ClinVar variation 2174885 (VCV002174885.6), dbSNP rs1422054970, ClinGen allele CA452054750.
Genomic context (GRCh38, chr6:123,375,630, plus strand): 5'-AATATGCTCTTCTTTAAAAATTTTGTTCAACATACTTGCTTTTACTTGTTTGTCACTTGG[A>G]ACTGTTAATGACAAGAAATAATAAGGTCAACAGTAATTACAAATCTGCTTATCTCTTTCC-3'
Protein context (NP_006064.2, residues 406-426): PAKSPKKEHS[Val416=]PSDKQVKAKT